The following is an entry in ClinVar:

NM_003737.4(DCHS1):c.3511C>T (p.Arg1171Cys)

Gene: DCHS1 (dachsous cadherin-related 1; minus strand). Cytogenetic location: 11p15.4.
Variant type: single nucleotide variant.
Coding change: c.3511C>T on transcript NM_003737.4 (MANE Select); coding-DNA position 3511, C replaced by T.
Protein change: p.Arg1171Cys; replaces arginine 1171 with cysteine.
Molecular consequence: missense variant.
Genome position (GRCh38, 1-based): chr11:6,631,780, G>A on the plus strand (C>T on the coding strand, the complement: DCHS1 is on the minus strand). VCF-style: chr11-6631780-G-A. GRCh37 (hg19) VCF-style: chr11-6653011-G-A.
Other names: short protein forms R1171C.
Identifiers: ClinVar variation 4768138 (VCV004768138.1).

ClinVar aggregate classification (germline): Uncertain significance (1 of 4 stars; one submission).

gnomAD v4.1: 1 of 1,560,828 alleles (0.000064%); highest among the groups gnomAD compares: Non-Finnish European, 0.000087%; no homozygotes.

Submission:

Labcorp Genetics (formerly Invitae), Labcorp
Classification: Uncertain significance. Last evaluated: 2025-10-19. Review status: criteria provided, single submitter. Criteria: Invitae Variant Classification Sherloc (09022015). Collection method: clinical testing. Allele origin: germline.
Comment: This sequence change replaces arginine, which is basic and polar, with cysteine, which is neutral and slightly polar, at codon 1171 of the DCHS1 protein (p.Arg1171Cys). This variant is present in population databases (no rsID available, gnomAD 0.004%). This variant has not been reported in the literature in individuals affected with DCHS1-related conditions. Invitae Evidence Modeling of protein sequence and biophysical properties (such as structural, functional, and spatial information, amino acid conservation, physicochemical variation, residue mobility, and thermodynamic stability) indicates that this missense variant is not expected to disrupt DCHS1 protein function with a negative predictive value of 80%. In summary, the available evidence is currently insufficient to determine the role of this variant in disease. Therefore, it has been classified as a Variant of Uncertain Significance.